The following is an entry in ClinVar:

ClinVar aggregate classification (germline): Uncertain significance (1 of 4 stars; one submission).

Conditions:
Myopathy, proximal, and ophthalmoplegia (CMYO6). Also called: INCLUSION BODY MYOPATHY 3, AUTOSOMAL DOMINANT; MYOPATHY WITH CONGENITAL JOINT CONTRACTURES, OPHTHALMOPLEGIA, AND RIMMED VACUOLES; CONGENITAL MYOPATHY 6 WITH OPHTHALMOPLEGIA. Identifiers: Orphanet 363677, Orphanet 79091, MedGen C1854106, MONDO:0011577, OMIM 605637.

gnomAD v4.1: 19 of 1,614,050 alleles (0.0012%); highest among the groups gnomAD compares: Middle Eastern, 0.016%; no homozygotes.

Submission:

Labcorp Genetics (formerly Invitae), Labcorp
Classification: Uncertain significance for Myopathy, proximal, and ophthalmoplegia. Last evaluated: 2025-09-14. Review status: criteria provided, single submitter. Criteria: Invitae Variant Classification Sherloc (09022015). Collection method: clinical testing. Allele origin: germline.
Comment: This sequence change affects codon 41 of the MYH2 mRNA. It is a 'silent' change, meaning that it does not change the encoded amino acid sequence of the MYH2 protein. This variant is present in population databases (rs762587430, gnomAD 0.01%). This variant has not been reported in the literature in individuals affected with MYH2-related conditions. ClinVar contains an entry for this variant (Variation ID: 3714455). Algorithms developed to predict the effect of sequence changes on RNA splicing suggest that this variant may create or strengthen a splice site. In summary, the available evidence is currently insufficient to determine the role of this variant in disease. Therefore, it has been classified as a Variant of Uncertain Significance.

NM_017534.6(MYH2):c.123G>A (p.Ala41=)

Genes: MYH2 (myosin heavy chain 2; minus strand), MYHAS (myosin heavy chain gene cluster antisense RNA; plus strand). Cytogenetic location: 17p13.1.
Variant type: single nucleotide variant.
Coding change: c.123G>A on transcript NM_017534.6 (MANE Select); coding-DNA position 123, G replaced by A.
Protein change: p.Ala41=; no amino-acid change (alanine 41 retained).
Molecular consequence: synonymous variant.
Genome position (GRCh38, 1-based): chr17:10,547,798, C>T on the plus strand (G>A on the coding strand, the complement: MYH2 is on the minus strand). VCF-style: chr17-10547798-C-T. GRCh37 (hg19) VCF-style: chr17-10451115-C-T.
Other names: c.123G>A, p.Ala41= (NM_001100112.2).
Identifiers: ClinVar variation 3714455 (VCV003714455.2).
Genomic context (GRCh38, chr17:10,547,798, plus strand): 5'-CGTCACTTTTCCTCCTTCTCTGCTCTGGATGGTCCCTTTGACAAAGGATTCTTTGGGCTC[C>T]GCCACAAAGACAGATGTTTTGGCATCAAAGGGCCTATTCTGGGCCTCAATGCGCTCCCTT-3'
Protein context (NP_060004.3, residues 31-51): PFDAKTSVFV[Ala41=]EPKESFVKGT